The following is an entry in ClinVar:

NM_000181.4(GUSB):c.1454C>T (p.Ser485Phe)

Gene: GUSB (glucuronidase beta; minus strand). Cytogenetic location: 7q11.21.
Variant type: single nucleotide variant.
Coding change: c.1454C>T on transcript NM_000181.4 (MANE Select); coding-DNA position 1454, C replaced by T.
Protein change: p.Ser485Phe; replaces serine 485 with phenylalanine.
Molecular consequence: missense variant.
Genome position (GRCh38, 1-based): chr7:65,970,304, G>A on the plus strand (C>T on the coding strand, the complement: GUSB is on the minus strand). VCF-style: chr7-65970304-G-A. GRCh37 (hg19) VCF-style: chr7-65435291-G-A.
Other names: c.1016C>T, p.Ser339Phe (NM_001284290.2); c.884C>T, p.Ser295Phe (NM_001293104.2); c.797C>T, p.Ser266Phe (NM_001293105.2); short protein forms S266F, S295F, S339F, S485F.
Identifiers: ClinVar variation 3907217 (VCV003907217.1).

ClinVar aggregate classification (germline): Likely pathogenic (1 of 4 stars; one submission).

Conditions:
Mucopolysaccharidosis type 7 (MPS7). Also called: BETA-GLUCURONIDASE DEFICIENCY; GUSB DEFICIENCY; SLY SYNDROME; MPS VII. Identifiers: Orphanet 584, MedGen C0085132, MONDO:0009662, OMIM 253220.

Submission:

Women's Health and Genetics/Laboratory Corporation of America, LabCorp
Classification: Likely pathogenic for Mucopolysaccharidosis type 7. Last evaluated: 2025-06-11. Review status: criteria provided, single submitter. Criteria: LabCorp Variant Classification Summary - May 2015. Collection method: clinical testing. Allele origin: germline.
Comment: Variant summary: GUSB c.1454C>T (p.Ser485Phe) results in a non-conservative amino acid change in the encoded protein sequence. Algorithms developed to predict the effect of missense changes on protein structure and function are either unavailable or do not agree on the potential impact of this missense change. The variant allele was found at a frequency of 8e-06 in 251256 control chromosomes. c.1454C>T has been observed in the presumed compound heterozygous state in at least 2 individual(s) affected with Mucopolysaccharidosis Type VII (Sly Syndrome) (example, Su_2024, Lee_2022). These data indicate that the variant may be associated with disease. At least one publication reports experimental evidence evaluating an impact on protein function in patient cells. The most pronounced variant effect results in <10% of normal beta-glucaronidase activity (example, Su_2024, Lee_2022). The following publications have been ascertained in the context of this evaluation (PMID: 38442846, 34420841). No submitters have cited clinical-significance assessments for this variant to ClinVar. Based on the evidence outlined above, the variant was classified as likely pathogenic.

Literature cited by the submitters: PubMed 38442846; PubMed 34420841.